The following is an entry in ClinVar:

ClinVar aggregate classification (germline): Uncertain significance (1 of 4 stars; one submission).

Conditions:
Inborn genetic diseases. Identifiers: MedGen C0950123, MeSH D030342.

Submission:

Ambry Genetics
Classification: Uncertain significance for Inborn genetic diseases. Last evaluated: 2025-10-01. Review status: criteria provided, single submitter. Criteria: Ambry Variant Classification Scheme 2023. Collection method: clinical testing. Allele origin: germline.
Comment: The p.T523I variant (also known as c.1568C>T), located in coding exon 15 of the DDX41 gene, results from a C to T substitution at nucleotide position 1568. The threonine at codon 523 is replaced by isoleucine, an amino acid with similar properties. This amino acid position is conserved. In addition, the in silico prediction for this alteration is inconclusive. Based on the available evidence, the clinical significance of this variant remains unclear.

NM_016222.4(DDX41):c.1568C>T (p.Thr523Ile)

Gene: DDX41 (DEAD-box helicase 41; minus strand). Cytogenetic location: 5q35.3.
Variant type: single nucleotide variant.
Coding change: c.1568C>T on transcript NM_016222.4 (MANE Select); coding-DNA position 1568, C replaced by T.
Protein change: p.Thr523Ile; replaces threonine 523 with isoleucine.
Molecular consequence: missense variant.
Genome position (GRCh38, 1-based): chr5:177,512,375, G>A on the plus strand (C>T on the coding strand, the complement: DDX41 is on the minus strand). VCF-style: chr5-177512375-G-A. GRCh37 (hg19) VCF-style: chr5-176939376-G-A.
Other names: c.1190C>T, p.Thr397Ile (NM_001321732.2, NM_001321830.2); short protein forms T523I, T397I.
Identifiers: ClinVar variation 4617138 (VCV004617138.1).
Genomic context (GRCh38, chr5:177,512,375, plus strand): 5'-GACTCACCACACGCTTTGTTGATGAAGGTAGTGGCGATGCCTGTGTTTCCCGAGCGCCCG[G>A]TGCGGCCAATCCGGTGTACTGCAGAGAGAAGGACAGAGTCTCTGGCCCATCGCTGGACAC-3'
Protein context (NP_057306.2, residues 513-533): IENYVHRIGR[Thr523Ile]GRSGNTGIAT